The following is an entry in ClinVar:

ClinVar aggregate classification (germline): Uncertain significance (1 of 4 stars; one submission).

Conditions:
Rubinstein-Taybi syndrome (RSTS). Identifiers: Orphanet 783, MedGen C0035934, MONDO:0019188.

Submission:

Labcorp Genetics (formerly Invitae), Labcorp
Classification: Uncertain significance for Rubinstein-Taybi syndrome. Last evaluated: 2025-02-06. Review status: criteria provided, single submitter. Criteria: Invitae Variant Classification Sherloc (09022015). Collection method: clinical testing. Allele origin: germline.
Comment: This sequence change replaces serine, which is neutral and polar, with alanine, which is neutral and non-polar, at codon 1912 of the CREBBP protein (p.Ser1912Ala). This variant is not present in population databases (gnomAD no frequency). This variant has not been reported in the literature in individuals affected with CREBBP-related conditions. Invitae Evidence Modeling of protein sequence and biophysical properties (such as structural, functional, and spatial information, amino acid conservation, physicochemical variation, residue mobility, and thermodynamic stability) indicates that this missense variant is not expected to disrupt CREBBP protein function with a negative predictive value of 95%. In summary, the available evidence is currently insufficient to determine the role of this variant in disease. Therefore, it has been classified as a Variant of Uncertain Significance.

NM_004380.3(CREBBP):c.5734T>G (p.Ser1912Ala)

Gene: CREBBP (CREB binding lysine acetyltransferase; minus strand). Cytogenetic location: 16p13.3.
Variant type: single nucleotide variant.
Coding change: c.5734T>G on transcript NM_004380.3 (MANE Select); coding-DNA position 5734, T replaced by G.
Protein change: p.Ser1912Ala; replaces serine 1912 with alanine.
Molecular consequence: missense variant.
Genome position (GRCh38, 1-based): chr16:3,729,313, A>C on the plus strand (T>G on the coding strand, the complement: CREBBP is on the minus strand). VCF-style: chr16-3729313-A-C. GRCh37 (hg19) VCF-style: chr16-3779314-A-C.
Other names: c.5620T>G, p.Ser1874Ala (NM_001079846.1); short protein forms S1874A, S1912A.
Identifiers: ClinVar variation 3685485 (VCV003685485.2).